The following is an entry in ClinVar:

NM_015047.3(EMC1):c.2780C>T (p.Ser927Leu)

Genes: EMC1 (ER membrane protein complex subunit 1; minus strand), EMC1-AS1 (EMC1 antisense RNA 1; plus strand). Cytogenetic location: 1p36.13.
Variant type: single nucleotide variant.
Coding change: c.2780C>T on transcript NM_015047.3 (MANE Select); coding-DNA position 2780, C replaced by T.
Protein change: p.Ser927Leu; replaces serine 927 with leucine.
Molecular consequence: missense variant.
Genome position (GRCh38, 1-based): chr1:19,219,591, G>A on the plus strand (C>T on the coding strand, the complement: EMC1 is on the minus strand). VCF-style: chr1-19219591-G-A. GRCh37 (hg19) VCF-style: chr1-19546085-G-A.
Other names: c.2777C>T, p.Ser926Leu (NM_001271427.2, NM_001271428.2); c.2714C>T, p.Ser905Leu (NM_001271429.2); c.2789C>T, p.Ser930Leu (NM_001375820.1); c.2786C>T, p.Ser929Leu (NM_001375821.1); c.2780C>T (NM_015047.1); short protein forms S905L, S926L, S927L, S929L, S930L.
Identifiers: ClinVar variation 1058651 (VCV001058651.9), dbSNP rs756676817, ClinGen allele CA652149.

ClinVar aggregate classification (germline): Uncertain significance. Review status: criteria provided, multiple submitters, no conflicts (2 of 4 stars). 2 submissions from 2 submitters: Uncertain significance (2). Last evaluated 2025-01-07.

Conditions:
Inborn genetic diseases. Identifiers: MedGen C0950123, MeSH D030342.

Allele frequency attached by ClinVar (database versions not stated): gnomAD exomes 0.00001 and 0.00003; ExAC 0.00002; TOPMed 0.00003; gnomAD 0.00004.
gnomAD v4.1: 28 of 1,613,982 alleles (0.0017%); highest among the groups gnomAD compares: African/African-American, 0.0053%; no homozygotes.

Submissions (2):

Labcorp Genetics (formerly Invitae), Labcorp
Classification: Uncertain significance. Last evaluated: 2025-01-07. Review status: criteria provided, single submitter. Criteria: Invitae Variant Classification Sherloc (09022015). Collection method: clinical testing. Allele origin: germline.
Comment: This sequence change replaces serine, which is neutral and polar, with leucine, which is neutral and non-polar, at codon 927 of the EMC1 protein (p.Ser927Leu). This variant is present in population databases (rs756676817, gnomAD 0.008%). This variant has not been reported in the literature in individuals affected with EMC1-related conditions. ClinVar contains an entry for this variant (Variation ID: 1058651). Invitae Evidence Modeling of protein sequence and biophysical properties (such as structural, functional, and spatial information, amino acid conservation, physicochemical variation, residue mobility, and thermodynamic stability) indicates that this missense variant is expected to disrupt EMC1 protein function with a positive predictive value of 80%. In summary, the available evidence is currently insufficient to determine the role of this variant in disease. Therefore, it has been classified as a Variant of Uncertain Significance.

Ambry Genetics
Classification: Uncertain significance for Inborn genetic diseases. Last evaluated: 2022-07-06. Review status: criteria provided, single submitter. Criteria: Ambry Variant Classification Scheme 2023. Collection method: clinical testing. Allele origin: germline.